The following is an entry in ClinVar:

ClinVar aggregate classification (germline): Uncertain significance (1 of 4 stars; one submission).

Conditions:
Ciliopathy. Also called: Ciliopathies. Identifiers: Orphanet 363250, MedGen C4277690, MONDO:0005308, MeSH D000072661.

Submission:

Myriad Genetics, Inc.
Classification: Uncertain significance for Ciliopathy. Last evaluated: 2026-06-30. Review status: criteria provided, single submitter. Criteria: Myriad Autosomal Dominant, Autosomal Recessive and X-Linked Classification Criteria (2023). Collection method: clinical testing. Allele origin: unknown.
Comment: NM_017777.3(MKS1):c.1659delC(S554Lfs*24) is a readthrough frameshift variant classified as a variant of uncertain significance in the context of MKS1-related disorders. S554Lfs*24 has not been observed in cases with relevant disease. Relevant functional assessments of this variant are not available in the literature. S554Lfs*24 has not been observed in referenced population frequency databases. In summary, there is insufficient evidence to classify NM_017777.3(MKS1):c.1659delC(S554Lfs*24) as pathogenic or benign. Please note: this variant was assessed in the context of healthy population screening.

NM_017777.4(MKS1):c.1659del (p.Ser554fs)

Gene: MKS1 (MKS transition zone complex subunit 1; minus strand). Cytogenetic location: 17q22.
Variant type: Deletion.
Coding change: c.1659del on transcript NM_017777.4 (MANE Select); coding-DNA position 1659, one base deleted (C; older notation c.1659delC).
Protein change: p.Ser554fs; shifts the reading frame from serine 554.
Molecular consequence: frameshift variant. On other transcripts: 3 prime UTR variant (1).
Genome position (GRCh38, 1-based): chr17:58,206,100, G deleted on the plus strand (C on the coding strand, the reverse complement: MKS1 is on the minus strand); the first of 4 consecutive G bases (chr17:58,206,100-58,206,103); deleting any one gives the same sequence. VCF-style (leftmost placement, unchanged base first): chr17-58206099-AG-A. GRCh37 (hg19) VCF-style: chr17-56283460-AG-A.
Other names: c.1050del, p.Ser351fs (NM_001321268.2); c.1576del, p.Leu526fs (NM_001321269.2); c.*71del (NM_001330397.2); short protein forms L526fs, S351fs, S554fs.
Identifiers: ClinVar variation 5004764 (VCV005004764.1).